The following is an entry in ClinVar:

NM_001127222.2(CACNA1A):c.653C>T (p.Ser218Leu)

Gene: CACNA1A (calcium voltage-gated channel subunit alpha1 A; minus strand). Cytogenetic location: 19p13.13.
Variant type: single nucleotide variant.
Coding change: c.653C>T on transcript NM_001127222.2 (MANE Select); coding-DNA position 653, C replaced by T.
Protein change: p.Ser218Leu; replaces serine 218 with leucine.
Molecular consequence: missense variant.
Genome position (GRCh38, 1-based): chr19:13,365,448, G>A on the plus strand (C>T on the coding strand, the complement: CACNA1A is on the minus strand). VCF-style: chr19-13365448-G-A. GRCh37 (hg19) VCF-style: chr19-13476262-G-A.
Other names: CACNA1A, SER218LEU (rs121908225); NP_001120694.1:p.(Ser218Leu); c.653C>T (NM_000068.3); c.653C>T, p.Ser218Leu (NM_000068.4, NM_001127221.2, NM_001174080.2 and 1 more transcripts); short protein forms S218L.
Identifiers: ClinVar variation 8504 (VCV000008504.24), dbSNP rs121908225, ClinGen allele CA254473.

ClinVar aggregate classification (germline): Pathogenic/Likely pathogenic. Review status: criteria provided, multiple submitters, no conflicts (2 of 4 stars). 12 submissions from 12 submitters: Pathogenic (7); Likely pathogenic (2). 3 of the submissions do not count toward it. Last evaluated 2024-11-11.

Conditions:
CACNA1A-related disorder. Also called: CACNA1A-related condition.
Developmental and epileptic encephalopathy, 42 (DEE42A). Also called: DEVELOPMENTAL AND EPILEPTIC ENCEPHALOPATHY 42A; EPILEPTIC ENCEPHALOPATHY, EARLY INFANTILE, 42A; Epileptic encephalopathy, early infantile, 42. Identifiers: MedGen C4310716, MONDO:0014917, OMIM 617106.
Episodic ataxia type 2 (EA2). Also called: CEREBELLAR ATAXIA, PAROXYSMAL, ACETAZOLAMIDE-RESPONSIVE; CEREBELLOPATHY, HEREDITARY PAROXYSMAL; EPISODIC ATAXIA, NYSTAGMUS-ASSOCIATED; ACETAZOLAMIDE-RESPONSIVE HEREDITARY PAROXYSMAL CEREBELLAR ATAXIA; ATAXIA, EPISODIC, WITH NYSTAGMUS; ATAXIA, FAMILIAL PAROXYSMAL. Identifiers: Orphanet 97, MedGen C1720416, MONDO:0007163, OMIM 108500.
Familial hemiplegic migraine. Identifiers: MedGen C0338484, MONDO:0000700.
Developmental and epileptic encephalopathy. Identifiers: MedGen C5779964, MONDO:0100620.
Migraine, familial hemiplegic, 1. Also called: MIGRAINE, FAMILIAL HEMIPLEGIC 1, WITH PROGRESSIVE CEREBELLAR ATAXIA. Identifiers: Orphanet 569, MedGen C1832884, MONDO:0020756, OMIM 141500, MONDO:0007714.

Submissions (12):

Labcorp Genetics (formerly Invitae), Labcorp
Classification: Pathogenic for Developmental and epileptic encephalopathy, 42; Episodic ataxia type 2. Last evaluated: 2024-11-11. Review status: criteria provided, single submitter. Criteria: Invitae Variant Classification Sherloc (09022015). Collection method: clinical testing. Allele origin: germline.
Comment: This sequence change replaces serine, which is neutral and polar, with leucine, which is neutral and non-polar, at codon 218 of the CACNA1A protein (p.Ser218Leu). This variant is not present in population databases (gnomAD no frequency). This missense change has been observed in individual(s) with familial hemiplegic migraine (PMID: 11409427, 19520699). In at least one individual the variant was observed to be de novo. It has also been observed to segregate with disease in related individuals. ClinVar contains an entry for this variant (Variation ID: 8504). Invitae Evidence Modeling of protein sequence and biophysical properties (such as structural, functional, and spatial information, amino acid conservation, physicochemical variation, residue mobility, and thermodynamic stability) indicates that this missense variant is expected to disrupt CACNA1A protein function with a positive predictive value of 95%. Experimental studies have shown that this missense change affects CACNA1A function (PMID: 15743764, 18581134). For these reasons, this variant has been classified as Pathogenic.

GeneDx
Classification: Pathogenic. Last evaluated: 2024-05-02. Review status: criteria provided, single submitter. Criteria: GeneDx Variant Classification Process June 2021. Collection method: clinical testing. Allele origin: germline.
Comment: Published functional studies demonstrate a damaging gain of function effect (PMID: 15743764, 26208839); In silico analysis supports that this missense variant has a deleterious effect on protein structure/function; Not observed at significant frequency in large population cohorts (gnomAD); This variant is associated with the following publications: (PMID: 18313928, 19520699, 19104150, 24498617, 23985897, 26208839, 29761117, 28750589, 30080864, 20186955, 19438926, 19242091, 22144569, 20071244, 25741235, 23115190, 24849341, 25716839, 21824570, 18581134, 11409427, 26814174, 22784462, 23673147, 28007337, 33023723, 29915382, 30649209, 27476654, 33084218, 15743764)

Unidad de Genómica Garrahan, Hospital de Pediatría Garrahan
Classification: Likely pathogenic for Developmental and epileptic encephalopathy. Last evaluated: 2024-01-01. Review status: criteria provided, single submitter. Criteria: ACMG Guidelines, 2015. Collection method: clinical testing. Allele origin: germline. Affected: yes. Observed: 1 variant allele.
Comment: ACMG/AMP criteria applied: PS3_supporting, PM1_moderate, PM2_supporting, PM5_moderate, PM6_moderate, PP3_moderate. Variant associated with risk of post-traumatic cerebral edema.

Women's Health and Genetics/Laboratory Corporation of America, LabCorp
Classification: Pathogenic for Developmental and epileptic encephalopathy, 42. Last evaluated: 2023-12-15. Review status: criteria provided, single submitter. Criteria: LabCorp Variant Classification Summary - May 2015. Collection method: clinical testing. Allele origin: germline.
Comment: Variant summary: CACNA1A c.653C>T (p.Ser218Leu) results in a non-conservative amino acid change located in the Ion transport domain (IPR005821) of the encoded protein sequence. Five of five in-silico tools predict a damaging effect of the variant on protein function. The variant was absent in 248928 control chromosomes (gnomAD). c.653C>T has been reported in the literature in multiple individuals affected with Familial hemiplegic migraine (examples: Kors_2001, Stam_2009). These data indicate that the variant is very likely to be associated with disease. The following publications have been ascertained in the context of this evaluation (PMID: 11409427, 19520699). Four submitters have cited clinical-significance assessments for this variant to ClinVar after 2014. All submitters classified the variant as pathogenic/likely pathogenic. Based on the evidence outlined above, the variant was classified as pathogenic.

Clinical Genetics Laboratory, Skane University Hospital Lund
Classification: Pathogenic. Last evaluated: 2022-05-27. Review status: criteria provided, single submitter. Criteria: ACMG Guidelines, 2015. Collection method: clinical testing. Allele origin: germline. Affected: yes.

Laboratoire de Génétique Moléculaire, CHU Bordeaux
Classification: Likely pathogenic for Developmental and epileptic encephalopathy, 42. Last evaluated: 2021-05-28. Review status: criteria provided, single submitter. Criteria: ACMG Guidelines, 2015. Collection method: clinical testing. Allele origin: germline. Affected: yes.

Blueprint Genetics
Classification: Pathogenic for CACNA1A-related disorders. Last evaluated: 2018-11-08. Review status: criteria provided, single submitter. Criteria: ACMG Guidelines, 2015. Collection method: clinical testing. Allele origin: germline. Affected: yes. Observed: 1 variant allele.

Genetic Services Laboratory, University of Chicago
Classification: Pathogenic for Episodic ataxia, type 2. Last evaluated: 2016-05-12. Review status: criteria provided, single submitter. Criteria: ACMG Guidelines, 2015. Collection method: clinical testing. Allele origin: germline. Affected: yes.

Lifecell International Pvt. Ltd
Classification: Pathogenic for Episodic ataxia type 2. Review status: criteria provided, single submitter. Criteria: ACMG Guidelines, 2015. Collection method: clinical testing. Allele origin: germline. Inheritance: Autosomal dominant inheritance. Affected: yes. Observed: 1 heterozygote.
Comment: A Heterozygous Missense variant c.653C>T in Exon 5 of the CACNA1A gene that results in the amino acid substitution p.Ser218Leu was identified. The observed variant has a minor allele frequency of 0.00% in gnomAD exomes and genomes, respectively. The severity of the impact of this variant on the protein is medium, based on the effect of the protein and REVEL score. Rare Exome Variant Ensemble Learner (REVEL) is an ensembl method for predicting the pathogenicity of missense variants based on a combination of scores from 13 individual tools: MutPred, FATHMM v2.3, VEST 3.0, PolyPhen-2, SIFT, PROVEAN, MutationAssessor, MutationTaster, LRT, GERP++, SiPhy, phyloP, and phastCons. The REVEL score for an individual missense variant can range from 0 to 1, with higher scores reflecting greater likelihood that the variant is disease-causing. ClinVar has also classified this variant as Pathogenic. (Variation ID: 8504) The variant has been previously reported by Kors EE, et al., 2001. Functional studies demonstrate a damaging gain of function effect (Damaj L et al., 2015) Based on the above evidence this variant has been classified as Pathogenic according to the ACMG guidelines.

OMIM
Classification: Pathogenic for MIGRAINE, FAMILIAL HEMIPLEGIC 1, WITH PROGRESSIVE CEREBELLAR ATAXIA. Last evaluated: 2013-09-12. Review status: no assertion criteria provided. Collection method: literature only. Allele origin: germline. Not counted in ClinVar's aggregate classification.

GeneReviews
No classification provided. Condition: Familial hemiplegic migraine. Review status: no classification provided. Collection method: literature only. Allele origin: germline. Not counted in ClinVar's aggregate classification.

UniProtKB/Swiss-Prot
No classification provided. Condition: Familial hemiplegic migraine type 1. Review status: no classification provided. Collection method: not provided. Allele origin: not provided. Not counted in ClinVar's aggregate classification.

Literature cited by the submitters: PubMed 11409427 (cited by 5 submitters); PubMed 19520699 (cited by 3 submitters); PubMed 15743764 (cited by Labcorp Genetics (formerly Invitae), Labcorp); PubMed 18581134 (cited by Labcorp Genetics (formerly Invitae), Labcorp); PubMed 25735478 (cited by Lifecell International Pvt. Ltd); PubMed 18313928 (cited by OMIM); PubMed 23934111 (cited by OMIM); PubMed 20301562 (cited by GeneReviews).